The following is an entry in ClinVar:

ClinVar aggregate classification (germline): Pathogenic (1 of 4 stars; one submission).

Conditions:
Hereditary cancer-predisposing syndrome. Also called: Neoplastic Syndromes, Hereditary; Tumor predisposition; Hereditary Cancer Syndrome; Hereditary neoplastic syndrome. Identifiers: Orphanet 140162, MedGen C0027672, MeSH D009386, MONDO:0015356.

Submission:

Ambry Genetics
Classification: Pathogenic for Hereditary cancer-predisposing syndrome. Last evaluated: 2024-11-15. Review status: criteria provided, single submitter. Criteria: Ambry Variant Classification Scheme 2023. Collection method: clinical testing. Allele origin: germline.
Comment: The c.1671delT pathogenic mutation, located in coding exon 4 of the PALB2 gene, results from a deletion of one nucleotide at nucleotide position 1671, causing a translational frameshift with a predicted alternate stop codon (p.F557Lfs*4). This alteration is expected to result in loss of function by premature protein truncation or nonsense-mediated mRNA decay. As such, this alteration is interpreted as a disease-causing mutation.

NM_024675.4(PALB2):c.1671del (p.Phe557fs)

Gene: PALB2 (partner and localizer of BRCA2; minus strand). Cytogenetic location: 16p12.2.
Variant type: Deletion.
Coding change: c.1671del on transcript NM_024675.4 (MANE Select); coding-DNA position 1671, one base deleted (T; older notation c.1671delT).
Protein change: p.Phe557fs; shifts the reading frame from phenylalanine 557.
Molecular consequence: frameshift variant.
Genome position (GRCh38, 1-based): chr16:23,634,875, A deleted on the plus strand (T on the coding strand, the reverse complement: PALB2 is on the minus strand); the first of 3 consecutive A bases (chr16:23,634,875-23,634,877); deleting any one gives the same sequence. VCF-style (leftmost placement, unchanged base first): chr16-23634874-TA-T. GRCh37 (hg19) VCF-style: chr16-23646195-TA-T.
Other names: c.1609delT, p.Phe537Leufs (NM_001407296.1); c.1669delT, p.Phe557Leufs (NM_001407297.1, NM_001407298.1, NM_001407299.1 and 3 more transcripts); c.784delT, p.Phe262Leufs (NM_001407304.1, NM_001407305.1, NM_001407306.1 and 5 more transcripts); c.1671delT (NM_024675.3); short protein forms F557fs.
Identifiers: ClinVar variation 1777706 (VCV001777706.3), dbSNP rs2506469600, ClinGen allele CA2580091237.